The following is an entry in ClinVar:

NM_001146227.3(RPS20):c.334-19G>T

Gene: RPS20 (ribosomal protein S20; minus strand). Cytogenetic location: 8q12.1.
Variant type: single nucleotide variant.
Coding change: c.334-19G>T on transcript NM_001146227.3; 19 bases into the intron before coding-DNA position 334, G replaced by T.
Molecular consequence: intron variant.
Genome position (GRCh38, 1-based): chr8:56,069,852, C>A on the plus strand (G>T on the coding strand, the complement: RPS20 is on the minus strand). VCF-style: chr8-56069852-C-A. GRCh37 (hg19) VCF-style: chr8-56982411-C-A.
Identifiers: ClinVar variation 5042332 (VCV005042332.1).

ClinVar aggregate classification (germline): Likely benign (1 of 4 stars; one submission).

Conditions:
Familial colorectal cancer type X. Identifiers: Orphanet 440437, MedGen C3896578, MONDO:0018604.

Submission:

Myriad Genetics, Inc.
Classification: Likely benign for Familial colorectal cancer type X. Last evaluated: 2026-07-31. Review status: criteria provided, single submitter. Criteria: Myriad Autosomal Dominant, Autosomal Recessive and X-Linked Classification Criteria (2023). Collection method: clinical testing. Allele origin: unknown.
Comment: This variant is considered likely benign. This variant is intronic and is not expected to impact mRNA splicing.